The following is an entry in ClinVar:

ClinVar aggregate classification (germline): Uncertain significance (1 of 4 stars; one submission).

gnomAD v4.1: 28 of 1,570,384 alleles (0.0018%); highest among the groups gnomAD compares: Middle Eastern, 0.019%; no homozygotes.

Submission:

Labcorp Genetics (formerly Invitae), Labcorp
Classification: Uncertain significance. Last evaluated: 2025-09-09. Review status: criteria provided, single submitter. Criteria: Invitae Variant Classification Sherloc (09022015). Collection method: clinical testing. Allele origin: germline.
Comment: This sequence change replaces asparagine, which is neutral and polar, with serine, which is neutral and polar, at codon 1611 of the SBF1 protein (p.Asn1611Ser). This variant is present in population databases (no rsID available, gnomAD 0.004%). This variant has not been reported in the literature in individuals affected with SBF1-related conditions. Invitae Evidence Modeling of protein sequence and biophysical properties (such as structural, functional, and spatial information, amino acid conservation, physicochemical variation, residue mobility, and thermodynamic stability) indicates that this missense variant is not expected to disrupt SBF1 protein function with a negative predictive value of 80%. In summary, the available evidence is currently insufficient to determine the role of this variant in disease. Therefore, it has been classified as a Variant of Uncertain Significance.

NM_002972.4(SBF1):c.4832A>G (p.Asn1611Ser)

Gene: SBF1 (SET binding factor 1; minus strand). Cytogenetic location: 22q13.33.
Variant type: single nucleotide variant.
Coding change: c.4832A>G on transcript NM_002972.4 (MANE Select); coding-DNA position 4832, A replaced by G.
Protein change: p.Asn1611Ser; replaces asparagine 1611 with serine.
Molecular consequence: missense variant.
Genome position (GRCh38, 1-based): chr22:50,454,723, T>C on the plus strand (A>G on the coding strand, the complement: SBF1 is on the minus strand). VCF-style: chr22-50454723-T-C. GRCh37 (hg19) VCF-style: chr22-50893152-T-C.
Other names: c.4757A>G, p.Asn1586Ser (NM_001365819.1); c.4835A>G, p.Asn1612Ser (NM_001410794.1); c.4754A>G, p.Asn1585Ser (NM_001410795.1); short protein forms N1611S, N1585S, N1586S, N1612S.
Identifiers: ClinVar variation 4767504 (VCV004767504.1).
Genomic context (GRCh38, chr22:50,454,723, plus strand): 5'-GGAGGGCCCTCGGCCAGCGTCTCCTCAGTGTAGAAGTCCCACACCTTCAGGTTGGACACG[T>C]TGCTGTAGGGCCGCAGGACCTGAGGGTGGGCCTGTGGTTGAGGACCTGGGTCGGGCAGGA-3'
Protein context (NP_002963.2, residues 1601-1621): EDAEVLRPYS[Asn1611Ser]VSNLKVWDFY